The following is an entry in ClinVar:

NM_000142.5(FGFR3):c.931-694C>T

Gene: FGFR3 (fibroblast growth factor receptor 3; plus strand). Cytogenetic location: 4p16.3.
Variant type: single nucleotide variant.
Coding change: c.931-694C>T on transcript NM_000142.5 (MANE Select); 694 bases into the intron before coding-DNA position 931, C replaced by T.
Molecular consequence: intron variant. On other transcripts: nonsense (1), non-coding transcript variant (1).
Genome position (GRCh38, 1-based): chr4:1,802,998, C>T. VCF-style: chr4-1802998-C-T. GRCh37 (hg19) VCF-style: chr4-1804725-C-T.
Other names: c.931-694C>T (NM_001354810.2, NM_001354809.2); c.930+973C>T (NM_022965.4); c.1015C>T, p.Arg339Ter (NM_001163213.2); short protein forms R339*.
Identifiers: ClinVar variation 4857836 (VCV004857836.3).
Genomic context (GRCh38, chr4:1,802,998, plus strand): 5'-GCCGACGTGCGCCTCCGCCTGGCCAATGTGTCGGAGCGGGACGGGGGCGAGTACCTCTGT[C>T]GAGCCACCAATTTCATAGGCGTGGCCGAGAAGGCCTTTTGGCTGAGCGTTCACGGGCCCC-3'

ClinVar aggregate classification (germline): Conflicting classifications of pathogenicity. Review status: criteria provided, conflicting classifications (1 of 4 stars). 2 submissions from 2 submitters: Uncertain significance (1); Likely benign (1). Last evaluated 2026-06-23.

Conditions:
FGFR3-related chondrodysplasia. Identifiers: Orphanet 93420, MedGen C5681604, MONDO:0019685.

Submissions (2):

Genomenon, Inc
Classification: Likely benign for FGFR3-related chondrodysplasia. Last evaluated: 2026-06-23. Review status: criteria provided, single submitter. Criteria: Genomenon Sequence Variant Interpretation Standards - Updated. Collection method: curation. Allele origin: germline. Affected: yes.
Comment: FGFR3 c.931-694C>T is an intronic variant located in intron 7. This variant has been observed in at least one proband with an FGFR3-related disorder (PMID:37875969). A de novo occurrence of this variant has been observed in at least one affected individual (PMID:37875969). It is absent or not present at a significant frequency in gnomAD. This variant is not predicted to impact splicing. In conclusion, we classify FGFR3 c.931-694C>T as a likely benign variant.

Dasa
Classification: Uncertain significance. Last evaluated: 2025-12-02. Review status: criteria provided, single submitter. Criteria: DASA Assertion Criteria. Collection method: clinical testing. Allele origin: germline.
Comment: NM_001163213.2(FGFR3):c.1015C>T (p.Arg339*) is a nonsense variant in FGFR3 predicted to introduce a premature termination codon and is predicted to result in an absent or altered protein product. This variant is rare in population databases. The currently available literature and clinical evidence are not sufficient to establish a definitive association between this variant and the reported condition. Therefore, this variant is classified as a variant of uncertain significance.

Literature cited by the submitters: PubMed 37875969 (cited by Genomenon, Inc); PubMed 41062690 (cited by Genomenon, Inc).